The following is an entry in ClinVar:

NM_002485.5(NBN):c.1624_1625delinsTT (p.Ala542Leu)

Gene: NBN (nibrin; minus strand). Cytogenetic location: 8q21.3.
Variant type: Indel.
Coding change: c.1624_1625delinsTT on transcript NM_002485.5 (MANE Select); coding-DNA positions 1624 to 1625, GC replaced by TT.
Protein change: p.Ala542Leu; replaces alanine 542 with leucine.
Molecular consequence: missense variant.
Genome position (GRCh38, 1-based): chr8:89,953,464-89,953,465, GC replaced by AA on the plus strand (GC replaced by TT on the coding strand, the reverse complement: NBN is on the minus strand). VCF-style: chr8-89953464-GC-AA. GRCh37 (hg19) VCF-style: chr8-90965692-GC-AA.
Other names: c.1378_1379delinsTT, p.Ala460Leu (NM_001024688.3); short protein forms A460L, A542L.
Identifiers: ClinVar variation 1053181 (VCV001053181.7), dbSNP rs2129699919, ClinGen allele CA2499219417.
Genomic context (GRCh38, chr8:89,953,464, plus strand): 5'-ACTTCATCTTCTATGGCCACATCATCCATTTCCCTTTTTTTATTTGATCTTAGCTTTTCT[GC>AA]AGCATGAGATTTACTGGCAGAATTTTTCACAATAGATTTTAAATCTGTATCTGTAAATAA-3'
Protein context (NP_002476.2, residues 532-552): VKNSASKSHA[Ala542Leu]EKLRSNKKRE

ClinVar aggregate classification (germline): Uncertain significance (1 of 4 stars; one submission).

Conditions:
Microcephaly, normal intelligence and immunodeficiency (NBS). Also called: Nijmegen breakage syndrome; Microcephaly with normal intelligence immunodeficiency and lymphoreticular malignancies; Nonsyndromal microcephaly autosomal recessive with normal intelligence; Seemanova syndrome 2; SEEMANOVA SYNDROME II; IMMUNODEFICIENCY, MICROCEPHALY, AND CHROMOSOMAL INSTABILITY. Identifiers: Orphanet 647, MedGen C0398791, MONDO:0009623, OMIM 251260.

Submission:

Labcorp Genetics (formerly Invitae), Labcorp
Classification: Uncertain significance for Microcephaly, normal intelligence and immunodeficiency. Last evaluated: 2020-07-19. Review status: criteria provided, single submitter. Criteria: Invitae Variant Classification Sherloc (09022015). Collection method: clinical testing. Allele origin: germline.
Comment: In summary, the available evidence is currently insufficient to determine the role of this variant in disease. Therefore, it has been classified as a Variant of Uncertain Significance. Algorithms developed to predict the effect of missense changes on protein structure and function are either unavailable or do not agree on the potential impact of this missense change (SIFT: "Not Available"; PolyPhen-2: "Benign"; Align-GVGD: "Not Available"). This variant has not been reported in the literature in individuals with NBN-related conditions. This variant is not present in population databases (ExAC no frequency). This sequence change replaces alanine with leucine at codon 542 of the NBN protein (p.Ala542Leu). The alanine residue is weakly conserved and there is a moderate physicochemical difference between alanine and leucine.